The following is an entry in ClinVar:

NM_000834.5(GRIN2B):c.920T>C (p.Met307Thr)

Gene: GRIN2B (glutamate ionotropic receptor NMDA type subunit 2B; minus strand). Cytogenetic location: 12p13.1.
Variant type: single nucleotide variant.
Coding change: c.920T>C on transcript NM_000834.5 (MANE Select); coding-DNA position 920, T replaced by C.
Protein change: p.Met307Thr; replaces methionine 307 with threonine.
Molecular consequence: missense variant.
Genome position (GRCh38, 1-based): chr12:13,753,407, A>G on the plus strand (T>C on the coding strand, the complement: GRIN2B is on the minus strand). VCF-style: chr12-13753407-A-G. GRCh37 (hg19) VCF-style: chr12-13906341-A-G.
Other names: c.920T>C, p.Met307Thr (NM_001413992.1, NM_001413993.1, NM_001413994.1 and 1 more transcripts); short protein forms M307T.
Identifiers: ClinVar variation 4783403 (VCV004783403.1).

ClinVar aggregate classification (germline): Uncertain significance (1 of 4 stars; one submission).

Conditions:
Developmental and epileptic encephalopathy, 27 (DEE27). Also called: Epileptic encephalopathy, early infantile, 27; GRIN2B-Related Neurodevelopmental Disorder. Identifiers: Orphanet 3451, MedGen C4015316, MONDO:0014505, OMIM 616139.
Intellectual developmental disorder, autosomal dominant 6, with or without seizures. Also called: Intellectual disability, autosomal dominant 6; GRIN2B-related developmental delay, intellectual disability and autism spectrum disorder. Identifiers: Orphanet 589547, MedGen C3151411, MONDO:0013509, OMIM 613970.

gnomAD v4.1: 1 of 1,613,840 alleles (0.000062%); highest among the groups gnomAD compares: Non-Finnish European, 0.000085%; no homozygotes.

Submission:

Labcorp Genetics (formerly Invitae), Labcorp
Classification: Uncertain significance for Developmental and epileptic encephalopathy, 27; Intellectual developmental disorder, autosomal dominant 6, with or without seizures. Last evaluated: 2025-03-23. Review status: criteria provided, single submitter. Criteria: Invitae Variant Classification Sherloc (09022015). Collection method: clinical testing. Allele origin: germline.
Comment: This sequence change replaces methionine, which is neutral and non-polar, with threonine, which is neutral and polar, at codon 307 of the GRIN2B protein (p.Met307Thr). This variant is not present in population databases (gnomAD no frequency). This variant has not been reported in the literature in individuals affected with GRIN2B-related conditions. Invitae Evidence Modeling of protein sequence and biophysical properties (such as structural, functional, and spatial information, amino acid conservation, physicochemical variation, residue mobility, and thermodynamic stability) has been performed for this missense variant. However, the output from this modeling did not meet the statistical confidence thresholds required to predict the impact of this variant on GRIN2B protein function. In summary, the available evidence is currently insufficient to determine the role of this variant in disease. Therefore, it has been classified as a Variant of Uncertain Significance.